The following is an entry in ClinVar:

ClinVar aggregate classification (germline): Uncertain significance. Review status: criteria provided, multiple submitters, no conflicts (2 of 4 stars). 2 submissions from 2 submitters: Uncertain significance (2). Last evaluated 2024-10-25.

Conditions:
Factor XIII, b subunit, deficiency of. Also called: Factor XIII subunit B deficiency. Identifiers: Orphanet 331, MedGen C2750481, MONDO:0013190, OMIM 613235, HP:0040234.

Allele frequency attached by ClinVar (database versions not stated): TOPMed 0.00001; gnomAD exomes 0.00003 and 0.00006; ExAC 0.00005.
gnomAD v4.1: 15 of 1,613,372 alleles (0.00093%); highest among the groups gnomAD compares: Admixed American, 0.025%; no homozygotes.

Submissions (2):

GeneDx
Classification: Uncertain significance. Last evaluated: 2024-10-25. Review status: criteria provided, single submitter. Criteria: GeneDx Variant Classification Process June 2021. Collection method: clinical testing. Allele origin: germline. Affected: yes.
Comment: Has not been previously published as pathogenic or benign to our knowledge; In silico analysis supports that this missense variant has a deleterious effect on protein structure/function

Illumina Laboratory Services, Illumina
Classification: Uncertain significance for Factor XIII, b subunit, deficiency of. Last evaluated: 2018-01-12. Review status: criteria provided, single submitter. Criteria: ICSL Variant Classification Criteria 13 December 2019. Collection method: clinical testing. Allele origin: germline.

NM_001994.3(F13B):c.1670A>G (p.His557Arg)

Gene: F13B (coagulation factor XIII B chain; minus strand). Cytogenetic location: 1q31.3.
Variant type: single nucleotide variant.
Coding change: c.1670A>G on transcript NM_001994.3 (MANE Select); coding-DNA position 1670, A replaced by G.
Protein change: p.His557Arg; replaces histidine 557 with arginine.
Molecular consequence: missense variant.
Genome position (GRCh38, 1-based): chr1:197,050,765, T>C on the plus strand (A>G on the coding strand, the complement: F13B is on the minus strand). VCF-style: chr1-197050765-T-C. GRCh37 (hg19) VCF-style: chr1-197019895-T-C.
Other names: short protein forms H557R.
Identifiers: ClinVar variation 294573 (VCV000294573.7), dbSNP rs759631235, ClinGen allele CA1308282.
Genomic context (GRCh38, chr1:197,050,765, plus strand): 5'-AATGGTGGTGTAGTCCACATTCCATCTAAACAATAGGCCTCCCTAGATCCTTCTAGGAAA[T>C]GGTGATCAAAACATCTGTATTCTACTGAAGAGCCATTTTCATAGGTGTCTACTGTTGAAC-3'
Protein context (NP_001985.2, residues 547-567): SSVEYRCFDH[His557Arg]FLEGSREAYC